The following is an entry in ClinVar:

NM_000260.4(MYO7A):c.2028C>G (p.Tyr676Ter)

Gene: MYO7A (myosin VIIA; plus strand). Cytogenetic location: 11q13.5.
Variant type: single nucleotide variant.
Coding change: c.2028C>G on transcript NM_000260.4 (MANE Select); coding-DNA position 2028, C replaced by G.
Protein change: p.Tyr676Ter; replaces tyrosine 676 with a stop codon.
Molecular consequence: nonsense.
Genome position (GRCh38, 1-based): chr11:77,174,848, C>G. VCF-style: chr11-77174848-C-G. GRCh37 (hg19) VCF-style: chr11-76885894-C-G.
Other names: c.2028C>G, p.Tyr676Ter (NM_001127180.2); c.1995C>G, p.Tyr665Ter (NM_001369365.1); short protein forms Y665*, Y676*.
Identifiers: ClinVar variation 3730840 (VCV003730840.2).

ClinVar aggregate classification (germline): Pathogenic/Likely pathogenic. Review status: criteria provided, multiple submitters, no conflicts (2 of 4 stars). 3 submissions from 3 submitters: Pathogenic (1); Likely pathogenic (2). Last evaluated 2025-08-20.

Conditions:
Autosomal recessive MYO7A-related disorders.
MYO7A-related disorder. Also called: MYO7A-related disorders.
Usher syndrome type 1 (USH1). Also called: RETINITIS PIGMENTOSA AND CONGENITAL DEAFNESS. Identifiers: Orphanet 231169, Orphanet 886, MedGen C1568247, MONDO:0010168, OMIM 276900.

Submissions (3):

Variantyx, Inc.
Classification: Likely pathogenic for Autosomal recessive MYO7A-related disorders. Last evaluated: 2025-08-20. Review status: criteria provided, single submitter. Criteria: Variantyx Assertion Criteria 2022. Collection method: clinical testing. Allele origin: germline. Inheritance: Autosomal recessive inheritance. Affected: yes.
Comment: This is a nonsense variant in the MYO7A gene (OMIM: 276903). Pathogenic variants in this gene have been associated with autosomal recessive MYO7A-related disorders. The alteration introduces a premature termination codon in exon 17 out of 49 and is expected to result in loss of function, which is a known disease mechanism for MYO7A in these disorders (PMID: 8900236, 25404053) (PVS1). This variant is absent from control populations (PM2). Based on the current evidence, this variant is classified as likely pathogenic for autosomal recessive MYO7A-related disorders.

Institute of Medical Genetics and Applied Genomics, University Hospital Tübingen
Classification: Pathogenic for Usher syndrome type 1. Last evaluated: 2025-02-19. Review status: criteria provided, single submitter. Criteria: ACMG Guidelines, 2015. Collection method: clinical testing. Allele origin: germline. Inheritance: Autosomal recessive inheritance. Affected: yes.

Blueprint Genetics
Classification: Likely pathogenic for MYO7A-related disorders. Last evaluated: 2023-09-01. Review status: criteria provided, single submitter. Criteria: ACMG Guidelines, 2015. Collection method: clinical testing. Allele origin: germline. Affected: yes. Observed: 1 variant allele.

Literature cited by the submitters: PubMed 8900236 (cited by Variantyx, Inc.); PubMed 25404053 (cited by Variantyx, Inc.).